The following is an entry in ClinVar:

NM_000287.4(PEX6):c.2018C>G (p.Pro673Arg)

Gene: PEX6 (peroxisomal biogenesis factor 6; minus strand). Cytogenetic location: 6p21.1.
Variant type: single nucleotide variant.
Coding change: c.2018C>G on transcript NM_000287.4 (MANE Select); coding-DNA position 2018, C replaced by G.
Protein change: p.Pro673Arg; replaces proline 673 with arginine.
Molecular consequence: missense variant. On other transcripts: non-coding transcript variant (1).
Genome position (GRCh38, 1-based): chr6:42,966,601, G>C on the plus strand (C>G on the coding strand, the complement: PEX6 is on the minus strand). VCF-style: chr6-42966601-G-C. GRCh37 (hg19) VCF-style: chr6-42934339-G-C.
Other names: c.1754C>G, p.Pro585Arg (NM_001316313.2); short protein forms P585R, P673R.
Identifiers: ClinVar variation 1522509 (VCV001522509.8), dbSNP rs2114240452, ClinGen allele CA364152795.
Genomic context (GRCh38, chr6:42,966,601, plus strand): 5'-GCCTGGGAGTGAGCTGTCTGCAGTTGCTCCAGTGCCTGCCCAAAGTCCTCAGCCAGGAGA[G>C]GAAAGCCGGCAGCACACAGCTCCCCCTCATCCTCCTCAGTCAAGCCACCTGCCAAACTGC-3'
Protein context (NP_000278.3, residues 663-683): DEGELCAAGF[Pro673Arg]LLAEDFGQAL

ClinVar aggregate classification (germline): Uncertain significance (1 of 4 stars; one submission).

Conditions:
Peroxisome biogenesis disorder. Identifiers: Orphanet 79189, MedGen C1832200, MONDO:0019234. Disease mechanism: loss of function.

Submission:

Labcorp Genetics (formerly Invitae), Labcorp
Classification: Uncertain significance for Peroxisome biogenesis disorder. Last evaluated: 2025-04-16. Review status: criteria provided, single submitter. Criteria: Invitae Variant Classification Sherloc (09022015). Collection method: clinical testing. Allele origin: germline.
Comment: This sequence change replaces proline, which is neutral and non-polar, with arginine, which is basic and polar, at codon 673 of the PEX6 protein (p.Pro673Arg). This variant is not present in population databases (gnomAD no frequency). This variant has not been reported in the literature in individuals affected with PEX6-related conditions. ClinVar contains an entry for this variant (Variation ID: 1522509). Invitae Evidence Modeling of protein sequence and biophysical properties (such as structural, functional, and spatial information, amino acid conservation, physicochemical variation, residue mobility, and thermodynamic stability) indicates that this missense variant is not expected to disrupt PEX6 protein function with a negative predictive value of 80%. In summary, the available evidence is currently insufficient to determine the role of this variant in disease. Therefore, it has been classified as a Variant of Uncertain Significance.